The following is an entry in ClinVar:

ClinVar aggregate classification (germline): Uncertain significance. Review status: criteria provided, multiple submitters, no conflicts (2 of 4 stars). 3 submissions from 3 submitters: Uncertain significance (3). Last evaluated 2025-06-04.

Conditions:
PCNT-related disorder. Also called: PCNT-related condition.
Inborn genetic diseases. Identifiers: MedGen C0950123, MeSH D030342.

Allele frequency attached by ClinVar (database versions not stated): ExAC 0.00001; gnomAD 0.00001; TOPMed 0.00002.
gnomAD v4.1: 84 of 1,605,788 alleles (0.0052%); highest among the groups gnomAD compares: South Asian, 0.023%; 1 homozygote.

Submissions (3):

Ambry Genetics
Classification: Uncertain significance for Inborn genetic diseases. Last evaluated: 2025-06-04. Review status: criteria provided, single submitter. Criteria: Ambry Variant Classification Scheme 2023. Collection method: clinical testing. Allele origin: germline.

PreventionGenetics, part of Exact Sciences
Classification: Uncertain significance for PCNT-related condition. Last evaluated: 2025-03-26. Review status: criteria provided, single submitter. Criteria: ACMG Guidelines, 2015. Collection method: clinical testing. Allele origin: germline.
Comment: The PCNT c.536C>T variant is predicted to result in the amino acid substitution p.Pro179Leu. To our knowledge, this variant has not been reported in the literature. This variant is reported in 0.013% of alleles in individuals of South Asian descent in gnomAD. At this time, the clinical significance of this variant is uncertain due to the absence of conclusive functional and genetic evidence.

Labcorp Genetics (formerly Invitae), Labcorp
Classification: Uncertain significance. Last evaluated: 2022-08-21. Review status: criteria provided, single submitter. Criteria: Invitae Variant Classification Sherloc (09022015). Collection method: clinical testing. Allele origin: germline.
Comment: This sequence change replaces proline, which is neutral and non-polar, with leucine, which is neutral and non-polar, at codon 179 of the PCNT protein (p.Pro179Leu). This variant is present in population databases (rs773387974, gnomAD 0.01%). This variant has not been reported in the literature in individuals affected with PCNT-related conditions. Algorithms developed to predict the effect of missense changes on protein structure and function output the following: SIFT: "Tolerated"; PolyPhen-2: "Benign"; Align-GVGD: "Class C0". The leucine amino acid residue is found in multiple mammalian species, which suggests that this missense change does not adversely affect protein function. In summary, the available evidence is currently insufficient to determine the role of this variant in disease. Therefore, it has been classified as a Variant of Uncertain Significance.

NM_006031.6(PCNT):c.536C>T (p.Pro179Leu)

Gene: PCNT (pericentrin; plus strand). Cytogenetic location: 21q22.3.
Variant type: single nucleotide variant.
Coding change: c.536C>T on transcript NM_006031.6 (MANE Select); coding-DNA position 536, C replaced by T.
Protein change: p.Pro179Leu; replaces proline 179 with leucine.
Molecular consequence: missense variant.
Genome position (GRCh38, 1-based): chr21:46,334,665, C>T. VCF-style: chr21-46334665-C-T. GRCh37 (hg19) VCF-style: chr21-47754579-C-T.
Other names: c.536C>T (NM_006031.5); c.182C>T, p.Pro61Leu (NM_001315529.2); short protein forms P179L, P61L.
Identifiers: ClinVar variation 2041373 (VCV002041373.4), dbSNP rs773387974, ClinGen allele CA10078293.